The following is an entry in ClinVar:

NM_031443.4(CCM2):c.532A>G (p.Ser178Gly)

Gene: CCM2 (CCM2 scaffold protein; plus strand). Cytogenetic location: 7p13.
Variant type: single nucleotide variant.
Coding change: c.532A>G on transcript NM_031443.4 (MANE Select); coding-DNA position 532, A replaced by G.
Protein change: p.Ser178Gly; replaces serine 178 with glycine.
Molecular consequence: missense variant. On other transcripts: non-coding transcript variant (1), intron variant (1).
Genome position (GRCh38, 1-based): chr7:45,068,502, A>G. VCF-style: chr7-45068502-A-G. GRCh37 (hg19) VCF-style: chr7-45108101-A-G.
Other names: c.595A>G, p.Ser199Gly (NM_001029835.2); c.358A>G, p.Ser120Gly (NM_001167934.2, NM_001363459.2); c.532A>G, p.Ser178Gly (NM_001363458.2); c.472+3856A>G (NM_001167935.2); short protein forms S120G, S178G, S199G.
Identifiers: ClinVar variation 3364519 (VCV003364519.1).
Genomic context (GRCh38, chr7:45,068,502, plus strand): 5'-GCCCAGGACCCAGGGATCTCCCCCAGCCAGAGTCTGTGTGCGGAAAGTTCCAGAGGCCTC[A>G]GTGCAGGCTCCCTGTCGGAGAGTGCAGTTGGGCCCGTGGAGGCATGCTGCCTGGTCATCC-3'
Protein context (NP_113631.1, residues 168-188): SLCAESSRGL[Ser178Gly]AGSLSESAVG

ClinVar aggregate classification (germline): Uncertain significance (1 of 4 stars; one submission).

gnomAD v4.1: 5 of 1,614,174 alleles (0.00031%); highest among the groups gnomAD compares: Non-Finnish European, 0.00034%; no homozygotes.

Submission:

GeneDx
Classification: Uncertain significance. Last evaluated: 2023-11-16. Review status: criteria provided, single submitter. Criteria: GeneDx Variant Classification Process June 2021. Collection method: clinical testing. Allele origin: germline. Affected: yes.
Comment: Not observed at significant frequency in large population cohorts (gnomAD); In silico analysis supports that this missense variant does not alter protein structure/function; Has not been previously published as pathogenic or benign to our knowledge